The following is an entry in ClinVar:

ClinVar aggregate classification (germline): Uncertain significance (1 of 4 stars; one submission).

Submission:

GeneDx
Classification: Uncertain significance. Last evaluated: 2024-11-03. Review status: criteria provided, single submitter. Criteria: GeneDx Variant Classification Process June 2021. Collection method: clinical testing. Allele origin: germline. Affected: yes.
Comment: Not observed at significant frequency in large population cohorts (gnomAD); In silico analysis supports that this missense variant has a deleterious effect on protein structure/function; Has not been previously published as pathogenic or benign to our knowledge

NM_020706.2(SCAF4):c.2093C>A (p.Pro698His)

Gene: SCAF4 (SR-related CTD associated factor 4; minus strand). Cytogenetic location: 21q22.11.
Variant type: single nucleotide variant.
Coding change: c.2093C>A on transcript NM_020706.2 (MANE Select); coding-DNA position 2093, C replaced by A.
Protein change: p.Pro698His; replaces proline 698 with histidine.
Molecular consequence: missense variant.
Genome position (GRCh38, 1-based): chr21:31,685,684, G>T on the plus strand (C>A on the coding strand, the complement: SCAF4 is on the minus strand). VCF-style: chr21-31685684-G-T. GRCh37 (hg19) VCF-style: chr21-33057997-G-T.
Other names: c.2048C>A, p.Pro683His (NM_001145444.1); c.2093C>A, p.Pro698His (NM_001145445.1); short protein forms P683H, P698H.
Identifiers: ClinVar variation 3898943 (VCV003898943.1).
Genomic context (GRCh38, chr21:31,685,684, plus strand): 5'-GGAGGAGGAACACCAGGACCAAAGCCTGGAGGCGGTATTCCCAGAGGAGGCGTGAAAGCA[G>T]GCGGCTGGAGAGCACCAACTACAGGTGGACCCGGTTGATGTGGTGGGACCTAGAAAGAAA-3'
Protein context (NP_065757.1, residues 688-708): GPPVVGALQP[Pro698His]AFTPPLGIPP